The following is an entry in ClinVar:

NM_000441.2(SLC26A4):c.1230G>A (p.Thr410=)

Gene: SLC26A4 (solute carrier family 26 member 4; plus strand). Cytogenetic location: 7q22.3.
Variant type: single nucleotide variant.
Coding change: c.1230G>A on transcript NM_000441.2 (MANE Select); coding-DNA position 1230, G replaced by A.
Protein change: p.Thr410=; no amino-acid change (threonine 410 retained).
Molecular consequence: synonymous variant.
Genome position (GRCh38, 1-based): chr7:107,690,204, G>A. VCF-style: chr7-107690204-G-A. GRCh37 (hg19) VCF-style: chr7-107330649-G-A.
Identifiers: ClinVar variation 4818362 (VCV004818362.1).

ClinVar aggregate classification (germline): Likely pathogenic (1 of 4 stars; one submission).

Conditions:
Pendred syndrome (PDS). Also called: THYROID DYSHORMONOGENESIS 2B; THYROID HORMONOGENESIS, GENETIC DEFECT IN, 2B; Pendred Syndrome (PDS); DEAFNESS WITH GOITER; GOITER-DEAFNESS SYNDROME; HYPOTHYROIDISM, CONGENITAL, DUE TO DYSHORMONOGENESIS, 2B. Identifiers: Orphanet 705, MedGen C0271829, MONDO:0010134, OMIM 274600.

gnomAD v4.1: 18 of 1,611,622 alleles (0.0011%); highest among the groups gnomAD compares: African/African-American, 0.0013%; no homozygotes.

Submission:

Natera, Inc.
Classification: Likely pathogenic for Pendred syndrome. Last evaluated: 2025-08-23. Review status: criteria provided, single submitter. Criteria: Natera Variant Classification Schema (03/2026). Collection method: clinical testing. Allele origin: germline.
Comment: The c.1230G>A variant in SLC26A4 is a synonymous variant that does not alter the encoded amino acid at position 410 (p.T410=). This variant is rare in the general population with a frequency below the threshold expected for the associated phenotype(s). This variant has been observed in one or more individuals affected with the associated recessive disease, as either homozygous or compound heterozygous with a second variant (PMID: 28796087). A different variant at the same position has been determined to be Pathogenic or Likely Pathogenic. Computational prediction algorithms indicate this variant is likely to affect gene or protein function. Given the available evidence, this variant is classified as Likely Pathogenic.

Literature cited by the submitters: PubMed 28796087.